The following is an entry in ClinVar:

NC_000002.11:g.(?_56149475)_(56149575_?)del

Gene: EFEMP1 (EGF containing fibulin extracellular matrix protein 1; minus strand). Cytogenetic location: 2p16.1.
Variant type: Deletion.
Identifiers: ClinVar variation 3247476 (VCV003247476.1).

ClinVar aggregate classification (germline): Uncertain significance (1 of 4 stars; one submission).

Submission:

Labcorp Genetics (formerly Invitae), Labcorp
Classification: Uncertain significance. Last evaluated: 2023-04-12. Review status: criteria provided, single submitter. Criteria: Invitae Variant Classification Sherloc (09022015). Collection method: clinical testing. Allele origin: unknown.
Comment: In summary, the available evidence is currently insufficient to determine the role of this variant in disease. Therefore, it has been classified as a Variant of Uncertain Significance. This variant has not been reported in the literature in individuals affected with EFEMP1-related conditions. This variant is a gross deletion of the genomic region encompassing exon(s) 3 of the EFEMP1 gene, which includes the initiator codon. This deletion extends beyond the assayed region for this gene and therefore may encompass additional genes. It is expected to result in an absent or disrupted protein product. However, the current clinical and genetic evidence is not sufficient to establish whether loss-of-function variants in EFEMP1 cause disease.